The following is an entry in ClinVar:

ClinVar aggregate classification (germline): Uncertain significance (1 of 4 stars; one submission).

Submission:

Labcorp Genetics (formerly Invitae), Labcorp
Classification: Uncertain significance. Last evaluated: 2021-06-16. Review status: criteria provided, single submitter. Criteria: Invitae Variant Classification Sherloc (09022015). Collection method: clinical testing. Allele origin: germline.
Comment: In summary, the available evidence is currently insufficient to determine the role of this variant in disease. Therefore, it has been classified as a Variant of Uncertain Significance. Advanced modeling of protein sequence and biophysical properties (such as structural, functional, and spatial information, amino acid conservation, physicochemical variation, residue mobility, and thermodynamic stability) performed at Invitae indicates that this missense variant is expected to disrupt ALPL protein function. This variant has not been reported in the literature in individuals affected with ALPL-related conditions. This variant is not present in population databases (ExAC no frequency). This sequence change replaces leucine with proline at codon 278 of the ALPL protein (p.Leu278Pro). The leucine residue is moderately conserved and there is a moderate physicochemical difference between leucine and proline.

NM_000478.6(ALPL):c.833T>C (p.Leu278Pro)

Gene: ALPL (alkaline phosphatase, biomineralization associated; plus strand). Cytogenetic location: 1p36.12.
Variant type: single nucleotide variant.
Coding change: c.833T>C on transcript NM_000478.6 (MANE Select); coding-DNA position 833, T replaced by C.
Protein change: p.Leu278Pro; replaces leucine 278 with proline.
Molecular consequence: missense variant.
Genome position (GRCh38, 1-based): chr1:21,570,345, T>C. VCF-style: chr1-21570345-T-C. GRCh37 (hg19) VCF-style: chr1-21896838-T-C.
Other names: c.668T>C, p.Leu223Pro (NM_001127501.4); c.602T>C, p.Leu201Pro (NM_001177520.3); c.833T>C, p.Leu278Pro (NM_001369803.2, NM_001369804.2, NM_001369805.2); short protein forms L223P, L278P, L201P.
Identifiers: ClinVar variation 1491557 (VCV001491557.8), dbSNP rs2148177029, ClinGen allele CA338879952.